The following is an entry in ClinVar:

NM_000384.3(APOB):c.13653C>A (p.Tyr4551Ter)

Genes: APOB (apolipoprotein B; minus strand), APOB3'MAR (APOB 3' scaffold/matrix attachment region; plus strand). Cytogenetic location: 2p24.1.
Variant type: single nucleotide variant.
Coding change: c.13653C>A on transcript NM_000384.3 (MANE Select); coding-DNA position 13653, C replaced by A.
Protein change: p.Tyr4551Ter; replaces tyrosine 4551 with a stop codon.
Molecular consequence: nonsense.
Genome position (GRCh38, 1-based): chr2:21,001,769, G>T on the plus strand (C>A on the coding strand, the complement: APOB is on the minus strand). VCF-style: chr2-21001769-G-T. GRCh37 (hg19) VCF-style: chr2-21224641-G-T.
Other names: short protein forms Y4551*.
Identifiers: ClinVar variation 1441589 (VCV001441589.6), dbSNP rs2103345991, ClinGen allele CA345966761.

ClinVar aggregate classification (germline): Uncertain significance (1 of 4 stars; one submission).

Conditions:
Familial hypobetalipoproteinemia 1. Also called: APOB-Related Familial Hypobetalipoproteinemia; Hypobetalipoproteinemia, normotriglyceridemic; Acanthocytosis with hypobetalipoproteinemia. Identifiers: MedGen C4551990, MONDO:0014252, OMIM 615558.
Hypercholesterolemia, autosomal dominant, type B (FHCL2). Also called: Familial Hypercholesterolemia Type B; APOLIPOPROTEIN B-100, FAMILIAL DEFECTIVE; APOLIPOPROTEIN B-100, FAMILIAL LIGAND-DEFECTIVE; HYPERCHOLESTEROLEMIA, FAMILIAL, DUE TO LIGAND-DEFECTIVE APOLIPOPROTEIN B; Familial hypercholesterolemia 2; Hyperlipoproteinemia Type IIb. Identifiers: MedGen C1704417, MONDO:0007751, OMIM 144010.

Submission:

Labcorp Genetics (formerly Invitae), Labcorp
Classification: Uncertain significance for Familial hypobetalipoproteinemia 1; Hypercholesterolemia, autosomal dominant, type B. Last evaluated: 2024-08-28. Review status: criteria provided, single submitter. Criteria: Invitae Variant Classification Sherloc (09022015). Collection method: clinical testing. Allele origin: germline.
Comment: This sequence change creates a premature translational stop signal (p.Tyr4551*) in the APOB gene. While this is not anticipated to result in nonsense mediated decay, it is expected to disrupt the last 13 amino acid(s) of the APOB protein. This variant is not present in population databases (gnomAD no frequency). This variant has not been reported in the literature in individuals affected with APOB-related conditions. ClinVar contains an entry for this variant (Variation ID: 1441589). In summary, the available evidence is currently insufficient to determine the role of this variant in disease. Therefore, it has been classified as a Variant of Uncertain Significance.